The following is an entry in ClinVar:

ClinVar aggregate classification (germline): Uncertain significance (1 of 4 stars; one submission).

Conditions:
Cardiovascular phenotype. Identifiers: MedGen CN230736.

Submission:

Ambry Genetics
Classification: Uncertain significance for Cardiovascular phenotype. Last evaluated: 2020-11-21. Review status: criteria provided, single submitter. Criteria: Ambry Variant Classification Scheme 2023. Collection method: clinical testing. Allele origin: germline.
Comment: The p.E918K variant (also known as c.2752G>A), located in coding exon 11 of the RBM20 gene, results from a G to A substitution at nucleotide position 2752. The glutamic acid at codon 918 is replaced by lysine, an amino acid with similar properties. This amino acid position is not well conserved in available vertebrate species. In addition, the in silico prediction for this alteration is inconclusive. Since supporting evidence is limited at this time, the clinical significance of this alteration remains unclear.

NM_001134363.3(RBM20):c.2752G>A (p.Glu918Lys)

Gene: RBM20 (RNA binding motif protein 20; plus strand). Cytogenetic location: 10q25.2.
Variant type: single nucleotide variant.
Coding change: c.2752G>A on transcript NM_001134363.3 (MANE Select); coding-DNA position 2752, G replaced by A.
Protein change: p.Glu918Lys; replaces glutamic acid 918 with lysine.
Molecular consequence: missense variant.
Genome position (GRCh38, 1-based): chr10:110,821,371, G>A. VCF-style: chr10-110821371-G-A. GRCh37 (hg19) VCF-style: chr10-112581129-G-A.
Other names: short protein forms E918K.
Identifiers: ClinVar variation 1795583 (VCV001795583.2), dbSNP rs2493493363, ClinGen allele CA378377474.